The following is an entry in ClinVar:

NM_000128.4(F11):c.650_651insACTGTCTCTTATACACATC (p.Ser217fs)

Gene: F11 (coagulation factor XI; plus strand). Cytogenetic location: 4q35.2.
Variant type: Insertion.
Coding change: c.650_651insACTGTCTCTTATACACATC on transcript NM_000128.4 (MANE Select); coding-DNA positions 650 to 651, ACTGTCTCTTATACACATC inserted.
Protein change: p.Ser217fs; shifts the reading frame from serine 217.
Molecular consequence: frameshift variant. On other transcripts: intron variant (4).
Genome position: GRCh38 VCF-style: chr4-186276285-G-GACTGTCTCTTATACACATC. GRCh37 (hg19) VCF-style: chr4-187197439-G-GACTGTCTCTTATACACATC.
Other names: c.650_651insACTGTCTCTTATACACATC, p.Ser217fs (NM_001440590.1, NM_001440593.1, NM_001440596.1); c.485+2010_485+2011insACTGTCTCTTATACACATC (NM_001440605.1, NM_001440607.1, NM_001440606.1 and 1 more transcripts); short protein forms S217fs.
Identifiers: ClinVar variation 5010877 (VCV005010877.1).
Genomic context (GRCh38, chr4:186,276,285, plus strand): 5'-GCGCAGCTTGTATTAGGGACATTTTCCCTAATACGGTGTTTGCAGACAGCAACATCGACA[G>GACTGTCTCTTATACACATC]TGTCATGGCTCCCGATGCTTTTGTCTGTGGCCGAATCTGCACTCATCATCCCGGTTGCTT-3'

ClinVar aggregate classification (germline): Pathogenic (1 of 4 stars; one submission).

Conditions:
Hereditary factor XI deficiency disease. Also called: PLASMA THROMBOPLASTIN ANTECEDENT DEFICIENCY; PTA DEFICIENCY; ROSENTHAL SYNDROME; Congenital factor XI deficiency. Identifiers: Orphanet 329, MedGen C0015523, MeSH D005173, MONDO:0012897, OMIM 612416.

Submission:

Myriad Genetics, Inc.
Classification: Pathogenic for Hereditary factor XI deficiency disease. Last evaluated: 2024-05-14. Review status: criteria provided, single submitter. Criteria: Myriad Autosomal Dominant, Autosomal Recessive and X-Linked Classification Criteria (2023). Collection method: clinical testing. Allele origin: unknown.
Comment: NM_000128.3(F11):c.650_651ins19(S217Rfs*48) is expected to be pathogenic in the context of factor XI deficiency. This variant is predicted to lead to an abnormal or absent protein product due to the creation of a premature termination codon in F11, a gene where loss-of-function variants are known to be pathogenic. Please note: this variant was assessed in the context of healthy population screening.